The following is an entry in ClinVar:

ClinVar aggregate classification (germline): Uncertain significance (1 of 4 stars; one submission).

gnomAD v4.1: 2 of 1,611,848 alleles (0.00012%); highest among the groups gnomAD compares: Admixed American, 0.0017%; no homozygotes.

Submission:

Labcorp Genetics (formerly Invitae), Labcorp
Classification: Uncertain significance. Last evaluated: 2025-03-27. Review status: criteria provided, single submitter. Criteria: Invitae Variant Classification Sherloc (09022015). Collection method: clinical testing. Allele origin: germline.
Comment: This sequence change replaces isoleucine, which is neutral and non-polar, with methionine, which is neutral and non-polar, at codon 1610 of the MYH7B protein (p.Ile1610Met). This variant is not present in population databases (gnomAD no frequency). This variant has not been reported in the literature in individuals affected with MYH7B-related conditions. Invitae Evidence Modeling of protein sequence and biophysical properties (such as structural, functional, and spatial information, amino acid conservation, physicochemical variation, residue mobility, and thermodynamic stability) indicates that this missense variant is not expected to disrupt MYH7B protein function with a negative predictive value of 80%. In summary, the available evidence is currently insufficient to determine the role of this variant in disease. Therefore, it has been classified as a Variant of Uncertain Significance.

NM_020884.7(MYH7B):c.4704C>G (p.Ile1568Met)

Gene: MYH7B (myosin heavy chain 7B; plus strand). Cytogenetic location: 20q11.22.
Variant type: single nucleotide variant.
Coding change: c.4704C>G on transcript NM_020884.7 (MANE Select); coding-DNA position 4704, C replaced by G.
Protein change: p.Ile1568Met; replaces isoleucine 1568 with methionine.
Molecular consequence: missense variant.
Genome position (GRCh38, 1-based): chr20:34,999,829, C>G. VCF-style: chr20-34999829-C-G. GRCh37 (hg19) VCF-style: chr20-33587632-C-G.
Other names: short protein forms I1568M.
Identifiers: ClinVar variation 4748415 (VCV004748415.1).